The following is an entry in ClinVar:

NM_000171.4(GLRA1):c.680_681delinsAA (p.Thr227Lys)

Gene: GLRA1 (glycine receptor alpha 1; minus strand). Cytogenetic location: 5q33.1.
Variant type: Indel.
Coding change: c.680_681delinsAA on transcript NM_000171.4 (MANE Select); coding-DNA positions 680 to 681, CC replaced by AA.
Protein change: p.Thr227Lys; replaces threonine 227 with lysine.
Molecular consequence: missense variant.
Genome position (GRCh38, 1-based): chr5:151,855,056-151,855,057, GG replaced by TT on the plus strand (CC replaced by AA on the coding strand, the reverse complement: GLRA1 is on the minus strand). VCF-style: chr5-151855056-GG-TT. GRCh37 (hg19) VCF-style: chr5-151234617-GG-TT.
Other names: c.680_681delinsAA, p.Thr227Lys (NM_001146040.2); c.431_432delinsAA, p.Thr144Lys (NM_001292000.2); short protein forms T227K, T144K.
Identifiers: ClinVar variation 2852945 (VCV002852945.3), dbSNP rs2479977620, ClinGen allele CA2739272755.

ClinVar aggregate classification (germline): Uncertain significance (1 of 4 stars; one submission).

Conditions:
Hereditary hyperekplexia. Identifiers: Orphanet 3197, MedGen C4084968, MONDO:0021022.

Submission:

Labcorp Genetics (formerly Invitae), Labcorp
Classification: Uncertain significance for Hereditary hyperekplexia. Last evaluated: 2023-04-06. Review status: criteria provided, single submitter. Criteria: Invitae Variant Classification Sherloc (09022015). Collection method: clinical testing. Allele origin: germline.
Comment: This sequence change replaces threonine, which is neutral and polar, with lysine, which is basic and polar, at codon 227 of the GLRA1 protein (p.Thr227Lys). Information on the frequency of this variant in the gnomAD database is not available, as this variant may be reported differently in the database. This variant has not been reported in the literature in individuals affected with GLRA1-related conditions. An algorithm developed to predict the effect of missense changes on protein structure and function (PolyPhen-2) suggests that this variant is likely to be disruptive. In summary, the available evidence is currently insufficient to determine the role of this variant in disease. Therefore, it has been classified as a Variant of Uncertain Significance.